The following is an entry in ClinVar:

NM_000322.5(PRPH2):c.181C>T (p.Pro61Ser)

Gene: PRPH2 (peripherin 2; minus strand). Cytogenetic location: 6p21.1.
Variant type: single nucleotide variant.
Coding change: c.181C>T on transcript NM_000322.5 (MANE Select); coding-DNA position 181, C replaced by T.
Protein change: p.Pro61Ser; replaces proline 61 with serine.
Molecular consequence: missense variant.
Genome position (GRCh38, 1-based): chr6:42,722,154, G>A on the plus strand (C>T on the coding strand, the complement: PRPH2 is on the minus strand). VCF-style: chr6-42722154-G-A. GRCh37 (hg19) VCF-style: chr6-42689892-G-A.
Other names: short protein forms P61S.
Identifiers: ClinVar variation 2781004 (VCV002781004.3), dbSNP rs2548309867, ClinGen allele CA364138501.
Genomic context (GRCh38, chr6:42,722,154, plus strand): 5'-TCTTCCCAGCCAGCGAGTTGAAGACACAGGATAGCACCCCCATCCCTATCAATGAGTTGG[G>A]CACAAAATGGCTCTCAGAATTATTCATCACATCGCTCCTCTTTCGGAGTTCAATCTTCAG-3'
Protein context (NP_000313.2, residues 51-71): VMNNSESHFV[Pro61Ser]NSLIGMGVLS

ClinVar aggregate classification (germline): Uncertain significance (1 of 4 stars; one submission).

Conditions:
PRPH2-related disorder. Also called: PRPH2-related disorders; PRPH2-related condition. Identifiers: MedGen CN239395.

Allele frequency attached by ClinVar (database versions not stated): gnomAD exomes below 0.00001.
gnomAD v4.1: 1 of 1,614,134 alleles (0.000062%); highest among the groups gnomAD compares: East Asian, 0.0022%; no homozygotes.

Submission:

Labcorp Genetics (formerly Invitae), Labcorp
Classification: Uncertain significance for PRPH2-related disorder. Last evaluated: 2022-12-07. Review status: criteria provided, single submitter. Criteria: Invitae Variant Classification Sherloc (09022015). Collection method: clinical testing. Allele origin: germline.
Comment: This variant is not present in population databases (gnomAD no frequency). In summary, the available evidence is currently insufficient to determine the role of this variant in disease. Therefore, it has been classified as a Variant of Uncertain Significance. Advanced modeling of protein sequence and biophysical properties (such as structural, functional, and spatial information, amino acid conservation, physicochemical variation, residue mobility, and thermodynamic stability) performed at Invitae indicates that this missense variant is expected to disrupt PRPH2 protein function. This variant has not been reported in the literature in individuals affected with PRPH2-related conditions. This sequence change replaces proline, which is neutral and non-polar, with serine, which is neutral and polar, at codon 61 of the PRPH2 protein (p.Pro61Ser).